The following is an entry in ClinVar:

ClinVar aggregate classification (germline): Conflicting classifications of pathogenicity. Review status: criteria provided, conflicting classifications (1 of 4 stars). 6 submissions from 6 submitters: Uncertain significance (1); Likely benign (4). 1 of the submissions does not count toward it. Last evaluated 2026-01-18.

Conditions:
POC1A-related disorder. Also called: POC1A-related condition.

Allele frequency attached by ClinVar (database versions not stated): ESP Exome Variant Server 0.00077; 1000 Genomes Project 30x 0.00078; 1000 Genomes Project 0.00080; TOPMed 0.00088; gnomAD 0.00090 and 0.00092; ExAC 0.00096; gnomAD exomes 0.00097 and 0.00133.
gnomAD v4.1: 2,055 of 1,613,818 alleles (0.13%); highest among the groups gnomAD compares: Non-Finnish European, 0.16%; 3 homozygotes.

Submissions (6):

Labcorp Genetics (formerly Invitae), Labcorp
Classification: Likely benign. Last evaluated: 2026-01-18. Review status: criteria provided, single submitter. Criteria: Invitae Variant Classification Sherloc (09022015). Collection method: clinical testing. Allele origin: germline.

CeGaT Center for Human Genetics Tuebingen
Classification: Likely benign. Last evaluated: 2025-12-01. Review status: criteria provided, single submitter. Criteria: CeGaT Center For Human Genetics Tuebingen Variant Classification Criteria Version 2. Collection method: clinical testing. Allele origin: germline. Affected: yes. Observed: 1 variant allele.
Comment: POC1A: BS2

GeneDx
Classification: Uncertain significance. Last evaluated: 2024-12-13. Review status: criteria provided, single submitter. Criteria: GeneDx Variant Classification Process June 2021. Collection method: clinical testing. Allele origin: germline. Affected: yes.
Comment: Identified in a patient with focal and segmental glomerulosclerosis, but additional clinical information was not included (PMID: 31308072); In silico analysis indicates that this missense variant does not alter protein structure/function; This variant is associated with the following publications: (PMID: 31308072)

Blueprint Genetics
Classification: Likely benign. Last evaluated: 2024-10-30. Review status: criteria provided, single submitter. Criteria: ACMG Guidelines, 2015. Collection method: clinical testing. Allele origin: germline.

Breakthrough Genomics
Classification: Likely benign. Review status: criteria provided, single submitter. Criteria: ACMG Guidelines, 2015. Collection method: not provided. Allele origin: germline. Inheritance: Autosomal recessive inheritance. Affected: yes.

PreventionGenetics, part of Exact Sciences
Classification: Likely benign for POC1A-related condition. Last evaluated: 2022-09-12. Review status: no assertion criteria provided. Collection method: clinical testing. Allele origin: germline. Not counted in ClinVar's aggregate classification.
Comment: This variant is classified as likely benign based on ACMG/AMP sequence variant interpretation guidelines (Richards et al. 2015 PMID: 25741868, with internal and published modifications).

NM_015426.5(POC1A):c.610G>A (p.Ala204Thr)

Gene: POC1A (POC1 centriolar protein A; minus strand). Cytogenetic location: 3p21.2.
Variant type: single nucleotide variant.
Coding change: c.610G>A on transcript NM_015426.5 (MANE Select); coding-DNA position 610, G replaced by A.
Protein change: p.Ala204Thr; replaces alanine 204 with threonine.
Molecular consequence: missense variant.
Genome position (GRCh38, 1-based): chr3:52,145,915, C>T on the plus strand (G>A on the coding strand, the complement: POC1A is on the minus strand). VCF-style: chr3-52145915-C-T. GRCh37 (hg19) VCF-style: chr3-52179931-C-T.
Other names: c.610G>A, p.Ala204Thr (NM_001161580.2); c.496G>A, p.Ala166Thr (NM_001161581.2); c.610G>A (NM_015426.4); short protein forms A166T, A204T.
Identifiers: ClinVar variation 1158067 (VCV001158067.17), dbSNP rs139147068, ClinGen allele CA2429561.
Genomic context (GRCh38, chr3:52,145,915, plus strand): 5'-GCTGCAGCAGCCGGTGAGTCCGCACGTCCCACACCTTCACTGTGTTGTCCATGCCGGCAG[C>T]GGCAATGCACGTCCCACTGGGGTGGAAGTCCACATAGGTGACAAAGCTGGAAAGACAGGG-3'
Protein context (NP_056241.3, residues 194-214): DFHPSGTCIA[Ala204Thr]AGMDNTVKVW